The following is an entry in ClinVar:

ClinVar aggregate classification (germline): Conflicting classifications of pathogenicity. Review status: criteria provided, conflicting classifications (1 of 4 stars). 4 submissions from 4 submitters: Uncertain significance (1); Likely benign (3). Last evaluated 2026-07-01.

Conditions:
Peroxisome biogenesis disorder 7A (Zellweger). Also called: Peroxisome biogenesis disorder 7A. Identifiers: Orphanet 912, MedGen C3888385, MONDO:0013938, OMIM 614872.
Peroxisome biogenesis disorder 7B (PBD7B). Identifiers: Orphanet 44, MedGen C3553951, MONDO:0013939, OMIM 614873.

Allele frequency attached by ClinVar (database versions not stated): ESP Exome Variant Server 0.00008; TOPMed below 0.00001; gnomAD exomes 0.00001.

Submissions (4):

CeGaT Center for Human Genetics Tuebingen
Classification: Likely benign. Last evaluated: 2026-07-01. Review status: criteria provided, single submitter. Criteria: CeGaT Center For Human Genetics Tuebingen Variant Classification Criteria Version 2. Collection method: clinical testing. Allele origin: germline. Affected: yes. Observed: 1 variant allele.
Comment: PEX26: BP4, BP7

Labcorp Genetics (formerly Invitae), Labcorp
Classification: Likely benign for Peroxisome biogenesis disorder 7A (Zellweger); Peroxisome biogenesis disorder 7B. Last evaluated: 2025-12-31. Review status: criteria provided, single submitter. Criteria: Invitae Variant Classification Sherloc (09022015). Collection method: clinical testing. Allele origin: germline.

Blueprint Genetics
Classification: Likely benign. Last evaluated: 2023-12-22. Review status: criteria provided, single submitter. Criteria: ACMG Guidelines, 2015. Collection method: clinical testing. Allele origin: germline.

Eurofins Ntd Llc (ga)
Classification: Uncertain significance. Last evaluated: 2016-08-25. Review status: criteria provided, single submitter. Criteria: EGL Classification Definitions 2015. Collection method: clinical testing. Allele origin: germline. Observed: 1 variant allele, 1 heterozygote.

NM_001127649.3(PEX26):c.540A>G (p.Leu180=)

Gene: PEX26 (peroxisomal biogenesis factor 26; plus strand). Cytogenetic location: 22q11.21.
Variant type: single nucleotide variant.
Coding change: c.540A>G on transcript NM_001127649.3 (MANE Select); coding-DNA position 540, A replaced by G.
Protein change: p.Leu180=; no amino-acid change (leucine 180 retained).
Molecular consequence: synonymous variant.
Genome position (GRCh38, 1-based): chr22:18,083,605, A>G. VCF-style: chr22-18083605-A-G. GRCh37 (hg19) VCF-style: chr22-18566371-A-G.
Other names: c.540A>G, p.Leu180= (NM_001199319.2, NM_017929.6).
Identifiers: ClinVar variation 290902 (VCV000290902.18), dbSNP rs374381444, ClinGen allele CA10606937.